The following is an entry in ClinVar:

NM_004329.3(BMPR1A):c.40T>A (p.Tyr14Asn)

Gene: BMPR1A (bone morphogenetic protein receptor type 1A; plus strand). Cytogenetic location: 10q23.2.
Variant type: single nucleotide variant.
Coding change: c.40T>A on transcript NM_004329.3 (MANE Select); coding-DNA position 40, T replaced by A.
Protein change: p.Tyr14Asn; replaces tyrosine 14 with asparagine.
Molecular consequence: missense variant. On other transcripts: 5 prime UTR variant (1), non-coding transcript variant (3), intron variant (4).
Genome position (GRCh38, 1-based): chr10:86,876,058, T>A. VCF-style: chr10-86876058-T-A. GRCh37 (hg19) VCF-style: chr10-88635815-T-A.
Other names: c.40T>A, p.Tyr14Asn (NM_001406559.1, NM_001406560.1, NM_001406561.1 and 23 more transcripts); c.-40T>A (NM_001406588.1); c.-17-14004T>A (NM_001406584.1, NM_001406587.1, NM_001406585.1); c.-12-14009T>A (NM_001406586.1); short protein forms Y14N.
Identifiers: ClinVar variation 3223952 (VCV003223952.1), dbSNP rs2539350832, ClinGen allele CA377774819.

ClinVar aggregate classification (germline): Uncertain significance (1 of 4 stars; one submission).

Conditions:
Hereditary cancer-predisposing syndrome. Also called: Tumor predisposition; Hereditary neoplastic syndrome; Hereditary Cancer Syndrome; Neoplastic Syndromes, Hereditary. Identifiers: Orphanet 140162, MedGen C0027672, MeSH D009386, MONDO:0015356.

Submission:

Ambry Genetics
Classification: Uncertain significance for Hereditary cancer-predisposing syndrome. Last evaluated: 2024-02-23. Review status: criteria provided, single submitter. Criteria: Ambry Variant Classification Scheme 2023. Collection method: clinical testing. Allele origin: germline.
Comment: The p.Y14N variant (also known as c.40T>A), located in coding exon 1 of the BMPR1A gene, results from a T to A substitution at nucleotide position 40. The tyrosine at codon 14 is replaced by asparagine, an amino acid with dissimilar properties. This amino acid position is not well conserved in available vertebrate species. In addition, the in silico prediction for this alteration is inconclusive. Based on the available evidence, the clinical significance of this alteration remains unclear.